The following is an entry in ClinVar:

NM_002764.4(PRPS1):c.876C>T (p.Ile292=)

Gene: PRPS1 (phosphoribosyl pyrophosphate synthetase 1; plus strand). Cytogenetic location: Xq22.3.
Variant type: single nucleotide variant.
Coding change: c.876C>T on transcript NM_002764.4 (MANE Select); coding-DNA position 876, C replaced by T.
Protein change: p.Ile292=; no amino-acid change (isoleucine 292 retained).
Molecular consequence: synonymous variant.
Genome position (GRCh38, 1-based): chrX:107,649,951, C>T. VCF-style: chrX-107649951-C-T. GRCh37 (hg19) VCF-style: chrX-106893181-C-T.
Other names: c.264C>T, p.Ile88= (NM_001204402.2).
Identifiers: ClinVar variation 239389 (VCV000239389.39), dbSNP rs202233161, ClinGen allele CA10485695.

ClinVar aggregate classification (germline): Likely benign. Review status: criteria provided, multiple submitters, no conflicts (2 of 4 stars). 4 submissions from 4 submitters: Likely benign (4). Last evaluated 2026-09-01.

Conditions:
Charcot-Marie-Tooth Neuropathy X. Identifiers: MedGen CN118851.

Allele frequency attached by ClinVar (database versions not stated): gnomAD exomes 0.00005 and 0.00017; ExAC 0.00007; gnomAD 0.00007; TOPMed 0.00010.

Submissions (4):

CeGaT Center for Human Genetics Tuebingen
Classification: Likely benign. Last evaluated: 2026-09-01. Review status: criteria provided, single submitter. Criteria: CeGaT Center For Human Genetics Tuebingen Variant Classification Criteria Version 2. Collection method: clinical testing. Allele origin: germline. Affected: yes. Observed: 3 variant alleles.
Comment: PRPS1: BP4, BP7, BS2

Labcorp Genetics (formerly Invitae), Labcorp
Classification: Likely benign for Charcot-Marie-Tooth Neuropathy X. Last evaluated: 2025-12-29. Review status: criteria provided, single submitter. Criteria: Invitae Variant Classification Sherloc (09022015). Collection method: clinical testing. Allele origin: germline.

Blueprint Genetics
Classification: Likely benign. Last evaluated: 2024-10-23. Review status: criteria provided, single submitter. Criteria: ACMG Guidelines, 2015. Collection method: clinical testing. Allele origin: germline.

GeneDx
Classification: Likely benign. Last evaluated: 2020-03-26. Review status: criteria provided, single submitter. Criteria: GeneDx Variant Classification Process June 2021. Collection method: clinical testing. Allele origin: germline. Affected: yes.